The following is an entry in ClinVar:

ClinVar aggregate classification (germline): Conflicting classifications of pathogenicity. Review status: criteria provided, conflicting classifications (1 of 4 stars). 17 submissions from 17 submitters: Uncertain significance (13); Likely benign (1). 3 of the submissions do not count toward it. Last evaluated 2026-08-03.

Conditions:
MYBPC3-related disorder. Also called: MYBPC3-related disorders; MYBPC3-related condition; MYBPC3-related disease.
Hypertrophic cardiomyopathy 4. Also called: Familial hypertrophic cardiomyopathy 4. Identifiers: MedGen C1861862, MONDO:0007268, OMIM 115197.
Left ventricular noncompaction 10 (LVNC10). Identifiers: Orphanet 154, Orphanet 54260, MedGen C3715165, MONDO:0014163, OMIM 615396.
Cardiovascular phenotype. Identifiers: MedGen CN230736.
Cardiomyopathy (CMYO). Also called: Cardiomyopathies. Identifiers: Orphanet 167848, MedGen C0878544, MONDO:0004994, HP:0001638. Inheritance: Various modes of inheritance.
Primary familial hypertrophic cardiomyopathy (HCM). Identifiers: Orphanet 99739, MedGen C0949658, MeSH D024741, MONDO:0024573. Inheritance: Various modes of inheritance.
Hypertrophic cardiomyopathy. Also called: HYPERTROPHIC MYOCARDIOPATHY. Identifiers: Orphanet 217569, MedGen C0007194, MeSH D002312, MONDO:0005045, HP:0001639.

Allele frequency attached by ClinVar (database versions not stated): ExAC 0.00003; gnomAD exomes 0.00003 and 0.00008; gnomAD 0.00007; TOPMed 0.00009; ESP Exome Variant Server 0.00025.

Submissions 1 to 6 of 17:

PreventionGenetics, part of Exact Sciences
Classification: Uncertain significance for MYBPC3-related condition. Last evaluated: 2026-08-03. Review status: criteria provided, single submitter. Criteria: ACMG Guidelines, 2015. Collection method: clinical testing. Allele origin: germline.
Comment: The MYBPC3 c.3742G>A variant is predicted to result in the amino acid substitution p.Gly1248Arg. This variant has been reported in individuals with hypertrophic cardiomyopathy (HCM) (Morita et al. 2008. PubMed ID: 18403758; Coto et al. 2012. PubMed ID: 22765922; Gómez et al. 2017. PubMed ID: 28356264; Table S2, Tadros et al. 2021. PubMed ID: 33495596), dilated cardiomyopathy (DCM) (Table S2, van Lint et al. 2019. PubMed ID: 30847666; Supplemental Tables, Forleo et al. 2017. PubMed ID: 28750076) and in individuals experiencing sudden cardiac death (SCD) (Christiansen et al. 2016. PubMed ID: 27650965; Kotta et al. 2023. PubMed ID: 37589201). This variant has been reported along with a second causative MYPBC3 variant in at least two individuals with HCM and one with SCD (Hofman et al. 2007. PubMed ID: 17908752; O'Hare et al. 2020. PubMed ID: 33190526; Neubauer et al. 2017. PubMed ID: 28074886). In one DCM family, several family members were carriers of this variant but lacked clinical features of DCM suggesting reduced penetrance or lack of co-segregation (Cuenca et al. 2016. PubMed ID: 26899768). This variant is predicted to alter splicing based on available splicing prediction programs (SpliceAI, Jaganathan et al. 2019. PubMed ID: 30661751); however, a minigene splicing assay demonstrated this variant does not impact splicing (Table S6, Ito et al. 2017. PubMed ID: 28679633). This variant is reported in 0.0056% of alleles in individuals of East Asian descent in gnomAD and is classified as uncertain in ClinVar (Variation ID: 42739). At this time, the clinical significance of this variant is uncertain due to the absence of conclusive functional and genetic evidence.

Labcorp Genetics (formerly Invitae), Labcorp
Classification: Uncertain significance for Hypertrophic cardiomyopathy. Last evaluated: 2026-01-26. Review status: criteria provided, single submitter. Criteria: Invitae Variant Classification Sherloc (09022015). Collection method: clinical testing. Allele origin: germline.
Comment: This sequence change replaces glycine, which is neutral and non-polar, with arginine, which is basic and polar, at codon 1248 of the MYBPC3 protein (p.Gly1248Arg). This variant is present in population databases (rs202147520, gnomAD 0.006%). This missense change has been observed in individuals with clinical features of MYBPC3-related conditions and/or hypertrophic cardiomyopathy (PMID: 17908752, 18403758, 22765922, 27532257, 30696458, 30847666, 32841044, 33495596, 37652022, 37937776). ClinVar contains an entry for this variant (Variation ID: 42739). An algorithm developed to predict the effect of missense changes on protein structure and function outputs the following: PolyPhen-2: "Possibly Damaging". The arginine amino acid residue is found in multiple mammalian species, which suggests that this missense change does not adversely affect protein function. Studies have shown that this missense change does not affect mRNA splicing (PMID: 28679633). In summary, the available evidence is currently insufficient to determine the role of this variant in disease. Therefore, it has been classified as a Variant of Uncertain Significance.

GeneDx
Classification: Uncertain significance. Last evaluated: 2025-07-28. Review status: criteria provided, single submitter. Criteria: GeneDx Variant Classification Process June 2021. Collection method: clinical testing. Allele origin: germline. Affected: yes.
Comment: Identified in patients with HCM, DCM, alcoholic cardiomyopathy, and sudden death; in one family with DCM, the variant did not segregate with disease in two affected family members (PMID: 29773157, 18403758, 17908752, 22765922, 27532257, 28356264, 26899768, 28750076, 30847666, 27650965, 28074886, 30696458, 33782553, 32009526, 37652022, 37589201); In silico analysis supports that this missense variant has a deleterious effect on protein structure/function; This variant is associated with the following publications: (PMID: 21415409, 27532257, 23299917, 25637381, 17908752, 22765922, 27650965, 28356264, 28750076, 28679633, 30847666, 32841044, 33190526, 30696458, 18403758, 29773157, 33782553, 26899768, 28074886, 32009526, 37937776, 37652022, 37589201)

Color Diagnostics, LLC DBA Color Health
Classification: Uncertain significance for Cardiomyopathy. Last evaluated: 2025-06-09. Review status: criteria provided, single submitter. Criteria: ACMG Guidelines, 2015. Collection method: clinical testing. Allele origin: germline.
Comment: This missense variant replaces glycine with arginine at codon 1248 of the MYBPC3 protein. Computational prediction suggests that this variant may not impact protein structure and function. A functional mini-gene assay has shown that this variant does not cause aberrant splicing (PMID: 28679633). This variant has been reported in over ten unrelated individuals affected with hypertrophic cardiomyopathy (PMID: 18403758, 22765922, 27532257, 28356264, 30696458, 32841044, 33190526, 33495596, 33495597, ClinVar SCV000747929.1) including one individual who also carried a pathogenic variant in the MYBPC3 gene (PMID: 33190526). This variant has also been reported in three individuals affected with dilated cardiomyopathy (PMID: 26899768, 28750076, 30847666), in one individual affected with cardiomyopathy (PMID: 32009526), and in four young individuals affected with sudden cardiac death (PMID: 17908752, 27650965, 28074886, 37589201) including one carrying a pathogenic MYBPC3 splice variant (PMID: 17908752). This variant has been identified in 8/249120 chromosomes in the general population by the Genome Aggregation Database (gnomAD). Although there is a suspicion that this variant may be associated with disease, additional studies are necessary to determine the role of this variant in disease conclusively. Therefore, this variant is classified as a Variant of Uncertain Significance.

Mayo Clinic Laboratories, Mayo Clinic
Classification: Uncertain significance. Last evaluated: 2025-06-05. Review status: criteria provided, single submitter. Criteria: ACMG Guidelines, 2015. Collection method: clinical testing. Allele origin: germline. Observed: 1 variant allele.
Comment: PM1

Molecular Diagnostic Laboratory for Inherited Cardiovascular Disease, Montreal Heart Institute
Classification: Uncertain significance for Cardiovascular phenotype. Last evaluated: 2025-04-08. Review status: criteria provided, single submitter. Criteria: ACMG Guidelines, 2015. Collection method: clinical testing. Allele origin: germline. Affected: yes.
Comment: PS4_mod, PM2, PP3

NM_000256.3(MYBPC3):c.3742G>A (p.Gly1248Arg)

Gene: MYBPC3 (myosin binding protein C3; minus strand). Cytogenetic location: 11p11.2.
Variant type: single nucleotide variant.
Coding change: c.3742G>A on transcript NM_000256.3 (MANE Select); coding-DNA position 3742, G replaced by A.
Protein change: p.Gly1248Arg; replaces glycine 1248 with arginine.
Molecular consequence: missense variant.
Genome position (GRCh38, 1-based): chr11:47,332,144, C>T on the plus strand (G>A on the coding strand, the complement: MYBPC3 is on the minus strand). VCF-style: chr11-47332144-C-T. GRCh37 (hg19) VCF-style: chr11-47353695-C-T.
Other names: short protein forms G1248R.
Identifiers: ClinVar variation 42739 (VCV000042739.39), dbSNP rs202147520, ClinGen allele CA014732.